The following is an entry in ClinVar:

ClinVar aggregate classification (germline): Uncertain significance (1 of 4 stars; one submission).

Allele frequency attached by ClinVar (database versions not stated): gnomAD 0.00001; gnomAD exomes 0.00001; ExAC 0.00002; 1000 Genomes Project 30x 0.00031; 1000 Genomes Project 0.00040.
gnomAD v4.1: 15 of 1,611,028 alleles (0.00093%); highest among the groups gnomAD compares: East Asian, 0.022%; no homozygotes.

Submission:

Labcorp Genetics (formerly Invitae), Labcorp
Classification: Uncertain significance. Last evaluated: 2021-08-02. Review status: criteria provided, single submitter. Criteria: Invitae Variant Classification Sherloc (09022015). Collection method: clinical testing. Allele origin: germline.
Comment: Algorithms developed to predict the effect of missense changes on protein structure and function output the following: SIFT: "Tolerated"; PolyPhen-2: "Not Available"; Align-GVGD: "Class C0". The valine amino acid residue is found in multiple mammalian species, which suggests that this missense change does not adversely affect protein function. This variant has not been reported in the literature in individuals affected with PTPN23-related conditions. This variant is present in population databases (rs551150055, ExAC 0.02%). This sequence change replaces alanine with valine at codon 807 of the PTPN23 protein (p.Ala807Val). The alanine residue is weakly conserved and there is a small physicochemical difference between alanine and valine. In summary, the available evidence is currently insufficient to determine the role of this variant in disease. Therefore, it has been classified as a Variant of Uncertain Significance.

NM_015466.4(PTPN23):c.2420C>T (p.Ala807Val)

Gene: PTPN23 (protein tyrosine phosphatase non-receptor type 23; plus strand). Cytogenetic location: 3p21.31.
Variant type: single nucleotide variant.
Coding change: c.2420C>T on transcript NM_015466.4 (MANE Select); coding-DNA position 2420, C replaced by T.
Protein change: p.Ala807Val; replaces alanine 807 with valine.
Molecular consequence: missense variant.
Genome position (GRCh38, 1-based): chr3:47,410,218, C>T. VCF-style: chr3-47410218-C-T. GRCh37 (hg19) VCF-style: chr3-47451708-C-T.
Other names: c.2042C>T, p.Ala681Val (NM_001304482.2); short protein forms A807V, A681V.
Identifiers: ClinVar variation 1429170 (VCV001429170.6), dbSNP rs551150055, ClinGen allele CA2366036.